The following is an entry in ClinVar:

ClinVar aggregate classification (germline): Pathogenic (1 of 4 stars; one submission).

Conditions:
Fanconi anemia (FA). Also called: Fanconi's anemia. Identifiers: Orphanet 84, MedGen C0015625, MeSH D005199, MONDO:0019391.

Submission:

Labcorp Genetics (formerly Invitae), Labcorp
Classification: Pathogenic for Fanconi anemia. Last evaluated: 2019-06-23. Review status: criteria provided, single submitter. Criteria: Invitae Variant Classification Sherloc (09022015). Collection method: clinical testing. Allele origin: germline.
Comment: For these reasons, this variant has been classified as Pathogenic. This variant disrupts the C-terminus of the FANCC protein. Other variant(s) that disrupt this region (p.Arg548*) have been determined to be pathogenic (PMID: 8103176, 24584348). This suggests that variants that disrupt this region of the protein are likely to be causative of disease. This variant has not been reported in the literature in individuals with FANCC-related conditions. This variant is not present in population databases (ExAC no frequency). This sequence change results in a premature translational stop signal in the FANCC gene (p.Gln441Aspfs*76). While this is not anticipated to result in nonsense mediated decay, it is expected to disrupt the last 118 amino acids of the FANCC protein.

Literature cited by the submitters: PubMed 8103176; PubMed 24584348.

NM_000136.3(FANCC):c.1321_1322del (p.Gln441fs)

Genes: AOPEP (aminopeptidase O (putative); plus strand), FANCC (FA complementation group C; minus strand). Cytogenetic location: 9q22.32.
Variant type: Microsatellite.
Coding change: c.1321_1322del on transcript NM_000136.3 (MANE Select); coding-DNA positions 1321 to 1322, 2 bases deleted (CA; older notation c.1321_1322delCA).
Protein change: p.Gln441fs; shifts the reading frame from glutamine 441.
Molecular consequence: frameshift variant.
Genome position (GRCh38, 1-based): chr9:95,111,470-95,111,471, TG deleted on the plus strand (CA on the coding strand, the reverse complement: FANCC is on the minus strand); deleting any 2 consecutive bases within chr9:95,111,470-95,111,473 gives the same sequence; the c. name uses the placement nearest the transcript's 3' end. VCF-style (leftmost placement, unchanged base first): chr9-95111469-CTG-C. GRCh37 (hg19) VCF-style: chr9-97873751-CTG-C.
Other names: c.1321_1322del, p.Gln441fs (NM_001243743.2, NM_001243744.2); short protein forms Q441fs.
Identifiers: ClinVar variation 933486 (VCV000933486.9), dbSNP rs2071928804, ClinGen allele CA1865416345.